The following is an entry in ClinVar:

NM_152564.5(VPS13B):c.5995A>G (p.Ile1999Val)

Gene: VPS13B (vacuolar protein sorting 13 homolog B; plus strand). Cytogenetic location: 8q22.2.
Variant type: single nucleotide variant.
Coding change: c.5995A>G on transcript NM_152564.5 (MANE Select); coding-DNA position 5995, A replaced by G.
Protein change: p.Ile1999Val; replaces isoleucine 1999 with valine.
Molecular consequence: missense variant.
Genome position (GRCh38, 1-based): chr8:99,661,440, A>G. VCF-style: chr8-99661440-A-G. GRCh37 (hg19) VCF-style: chr8-100673668-A-G.
Other names: c.6070A>G, p.Ile2024Val (NM_017890.5); c.6070A>G (NM_017890.3); short protein forms I2024V, I1999V.
Identifiers: ClinVar variation 2155528 (VCV002155528.4), dbSNP rs1364601401, ClinGen allele CA371869008.

ClinVar aggregate classification (germline): Uncertain significance. Review status: criteria provided, multiple submitters, no conflicts (2 of 4 stars). 2 submissions from 2 submitters: Uncertain significance (2). Last evaluated 2025-04-05.

Conditions:
Cohen syndrome (COH1). Also called: PEPPER SYNDROME; Cutis verticis gyrata, retinitis pigmentosa, and sensorineural deafness. Identifiers: Orphanet 193, MedGen C0265223, MONDO:0008999, OMIM 216550.
Inborn genetic diseases. Identifiers: MedGen C0950123, MeSH D030342.

Allele frequency attached by ClinVar (database versions not stated): gnomAD 0.00001; TOPMed 0.00001.
gnomAD v4.1: 1 of 1,613,616 alleles (0.000062%); highest among the groups gnomAD compares: Non-Finnish European, 0.000085%; no homozygotes.

Submissions (2):

Ambry Genetics
Classification: Uncertain significance for Inborn genetic diseases. Last evaluated: 2025-04-05. Review status: criteria provided, single submitter. Criteria: Ambry Variant Classification Scheme 2023. Collection method: clinical testing. Allele origin: germline.

Labcorp Genetics (formerly Invitae), Labcorp
Classification: Uncertain significance for Cohen syndrome. Last evaluated: 2024-07-15. Review status: criteria provided, single submitter. Criteria: Invitae Variant Classification Sherloc (09022015). Collection method: clinical testing. Allele origin: germline.
Comment: This sequence change replaces isoleucine, which is neutral and non-polar, with valine, which is neutral and non-polar, at codon 2024 of the VPS13B protein (p.Ile2024Val). This variant is not present in population databases (gnomAD no frequency). This variant has not been reported in the literature in individuals affected with VPS13B-related conditions. ClinVar contains an entry for this variant (Variation ID: 2155528). Advanced modeling of protein sequence and biophysical properties (such as structural, functional, and spatial information, amino acid conservation, physicochemical variation, residue mobility, and thermodynamic stability) performed at Invitae indicates that this missense variant is expected to disrupt VPS13B protein function with a positive predictive value of 80%. In summary, the available evidence is currently insufficient to determine the role of this variant in disease. Therefore, it has been classified as a Variant of Uncertain Significance.